The following is an entry in ClinVar:

ClinVar aggregate classification (germline): Pathogenic (1 of 4 stars; one submission).

Submission:

Labcorp Genetics (formerly Invitae), Labcorp
Classification: Pathogenic. Last evaluated: 2021-09-16. Review status: criteria provided, single submitter. Criteria: Invitae Variant Classification Sherloc (09022015). Collection method: clinical testing. Allele origin: germline.
Comment: For these reasons, this variant has been classified as Pathogenic. This premature translational stop signal has been observed in individual(s) with clinical features of Stargardt disease (PMID: 28118664, 32307445). This variant is not present in population databases (ExAC no frequency). This sequence change creates a premature translational stop signal (p.Trp1730*) in the ABCA4 gene. It is expected to result in an absent or disrupted protein product. Loss-of-function variants in ABCA4 are known to be pathogenic (PMID: 10958761, 24938718, 25312043, 26780318).

Literature cited by the submitters: PubMed 28118664; PubMed 32307445; PubMed 10958761; PubMed 24938718; PubMed 25312043; PubMed 26780318.

NM_000350.3(ABCA4):c.5190G>A (p.Trp1730Ter)

Gene: ABCA4 (ATP binding cassette subfamily A member 4; minus strand). Cytogenetic location: 1p22.1.
Variant type: single nucleotide variant.
Coding change: c.5190G>A on transcript NM_000350.3 (MANE Select); coding-DNA position 5190, G replaced by A.
Protein change: p.Trp1730Ter; replaces tryptophan 1730 with a stop codon.
Molecular consequence: nonsense.
Genome position (GRCh38, 1-based): chr1:94,019,588, C>T on the plus strand (G>A on the coding strand, the complement: ABCA4 is on the minus strand). VCF-style: chr1-94019588-C-T. GRCh37 (hg19) VCF-style: chr1-94485144-C-T.
Other names: c.4968G>A, p.Trp1656Ter (NM_001425324.1); short protein forms W1730*, W1656*.
Identifiers: ClinVar variation 1431628 (VCV001431628.6), dbSNP rs2101020591, ClinGen allele CA341282519.